The following is an entry in ClinVar:

ClinVar aggregate classification (germline): Uncertain significance. Review status: criteria provided, single submitter (1 of 4 stars). 2 submissions from 2 submitters: Uncertain significance (1). 1 of the submissions does not count toward it. Last evaluated 2023-11-28.

Conditions:
EPB41-related disorder. Also called: EPB41-related condition.
Elliptocytosis 1 (EL1). Also called: 4.1- TRAIT; 4.1-MINUS TRAIT; ELLIPTOCYTOSIS, RHESUS-LINKED TYPE; PROTEIN 4.1 OF ERYTHROCYTE MEMBRANE, DEFECT OF. Identifiers: Orphanet 288, MedGen C2678497, MONDO:0012731, OMIM 611804.

gnomAD v4.1: 8 of 1,613,974 alleles (0.0005%); highest among the groups gnomAD compares: East Asian, 0.0022%; no homozygotes.

Submissions (2):

Revvity Omics, Revvity
Classification: Uncertain significance for Elliptocytosis 1. Last evaluated: 2023-11-28. Review status: criteria provided, single submitter. Criteria: ACMG Guidelines, 2015. Collection method: clinical testing. Allele origin: germline.

PreventionGenetics, part of Exact Sciences
Classification: Uncertain significance for EPB41-related condition. Last evaluated: 2024-08-07. Review status: no assertion criteria provided. Collection method: clinical testing. Allele origin: germline. Not counted in ClinVar's aggregate classification.
Comment: The EPB41 c.967G>A variant is predicted to result in the amino acid substitution p.Glu323Lys. To our knowledge, this variant has not been reported in the literature. This variant is reported in 0.00088% of alleles in individuals of European (Non-Finnish) descent in gnomAD. At this time, the clinical significance of this variant is uncertain due to the absence of conclusive functional and genetic evidence.

NM_001376013.1(EPB41):c.1594G>A (p.Glu532Lys)

Gene: EPB41 (erythrocyte membrane protein band 4.1; plus strand). Cytogenetic location: 1p35.3.
Variant type: single nucleotide variant.
Coding change: c.1594G>A on transcript NM_001376013.1 (MANE Select); coding-DNA position 1594, G replaced by A.
Protein change: p.Glu532Lys; replaces glutamic acid 532 with lysine.
Molecular consequence: missense variant.
Genome position (GRCh38, 1-based): chr1:29,039,384, G>A. VCF-style: chr1-29039384-G-A. GRCh37 (hg19) VCF-style: chr1-29365896-G-A.
Other names: c.1594G>A, p.Glu532Lys (NM_001166005.2, NM_001166006.2, NM_001376014.1 and 7 more transcripts); c.967G>A, p.Glu323Lys (NM_001166007.2, NM_203342.3, NM_001376022.1 and 7 more transcripts); c.1489G>A, p.Glu497Lys (NM_203343.3); short protein forms E323K, E497K, E532K.
Identifiers: ClinVar variation 3352769 (VCV003352769.2).